The following is an entry in ClinVar:

NM_031885.5(BBS2):c.1402C>T (p.Gln468Ter)

Gene: BBS2 (Bardet-Biedl syndrome 2; minus strand). Cytogenetic location: 16q13.
Variant type: single nucleotide variant.
Coding change: c.1402C>T on transcript NM_031885.5 (MANE Select); coding-DNA position 1402, C replaced by T.
Protein change: p.Gln468Ter; replaces glutamine 468 with a stop codon.
Molecular consequence: nonsense. On other transcripts: non-coding transcript variant (5).
Genome position (GRCh38, 1-based): chr16:56,499,903, G>A on the plus strand (C>T on the coding strand, the complement: BBS2 is on the minus strand). VCF-style: chr16-56499903-G-A. GRCh37 (hg19) VCF-style: chr16-56533815-G-A.
Other names: c.1402C>T, p.Gln468Ter (NM_001377456.1); short protein forms Q468*.
Identifiers: ClinVar variation 984002 (VCV000984002.3), dbSNP rs1791390525, ClinGen allele CA395978196.

ClinVar aggregate classification (germline): Likely pathogenic (1 of 4 stars; one submission).

Conditions:
Bardet-Biedl syndrome 2 (BBS2). Identifiers: Orphanet 110, MedGen C2936863, MONDO:0014432, OMIM 615981.

Submission:

Myriad Genetics, Inc.
Classification: Likely pathogenic for Bardet-Biedl syndrome 2. Last evaluated: 2019-12-16. Review status: criteria provided, single submitter. Criteria: Myriad Women's Health Autosomal Recessive and X-Linked Classification Criteria (2019). Collection method: clinical testing. Allele origin: unknown.
Comment: NM_031885.3(BBS2):c.1402C>T(Q468*) is expected to be pathogenic in the context of Bardet-Biedl syndrome, BBS2-related. This variant is predicted to lead to an abnormal or absent protein product due to the creation of a premature termination codon in BBS2, a gene where loss-of-function variants are known to be pathogenic. Please note: this variant was assessed in the context of healthy population screening.